The following is an entry in ClinVar:

NM_000037.4(ANK1):c.1405-9G>A

Gene: ANK1 (ankyrin 1; minus strand). Cytogenetic location: 8p11.21.
Variant type: single nucleotide variant.
Coding change: c.1405-9G>A on transcript NM_000037.4 (MANE Select); 9 bases into the intron before coding-DNA position 1405, G replaced by A.
Molecular consequence: intron variant.
Genome position (GRCh38, 1-based): chr8:41,715,858, C>T on the plus strand (G>A on the coding strand, the complement: ANK1 is on the minus strand). VCF-style: chr8-41715858-C-T. GRCh37 (hg19) VCF-style: chr8-41573376-C-T.
Other names: c.1405-9G>A (NM_020476.2, NM_020477.3, NM_020475.3 and 1 more transcripts); c.1504-9G>A (NM_001142446.2).
Identifiers: ClinVar variation 1676948 (VCV001676948.12), dbSNP rs2486915489, ClinGen allele CA2580078348.
Genomic context (GRCh38, chr8:41,715,858, plus strand): 5'-CCATGTTTGTGTGGCCGATGCGAGCTGCACAGTGAAGTGGGGTCTGGTCATCCTGGACCC[C>T]GAAGGGAAAACAAAGAAGAAGAAACGCTAATGTTACCAAATCCAACTTTTCATCTTACAG-3'

ClinVar aggregate classification (germline): Pathogenic/Likely pathogenic. Review status: criteria provided, multiple submitters, no conflicts (2 of 4 stars). 8 submissions from 8 submitters: Pathogenic (4); Likely pathogenic (3). 1 of the submissions does not count toward it. Last evaluated 2025-05-25.

Conditions:
Hereditary spherocytosis type 1. Also called: Spherocytosis type 1; ANK1-Related Spherocytosis. Identifiers: Orphanet 822, MedGen C2674218, MONDO:0008447, OMIM 182900.
ANK1-related disorder. Also called: ANK1-related condition.

Allele frequency attached by ClinVar (database versions not stated): gnomAD exomes below 0.00001.
gnomAD v4.1: 1 of 1,614,078 alleles (0.000062%); highest among the groups gnomAD compares: Non-Finnish European, 0.000085%; no homozygotes.

Submissions (8):

Labcorp Genetics (formerly Invitae), Labcorp
Classification: Pathogenic. Last evaluated: 2025-05-25. Review status: criteria provided, single submitter. Criteria: Invitae Variant Classification Sherloc (09022015). Collection method: clinical testing. Allele origin: germline.
Comment: This sequence change falls in intron 13 of the ANK1 gene. It does not directly change the encoded amino acid sequence of the ANK1 protein. This variant is not present in population databases (gnomAD no frequency). This variant has been observed in individual(s) with hereditary spherocytosis (PMID: 33868383, 37246216, 38655052). In at least one individual the variant was observed to be de novo. This variant is also known as c.1504-9G>A. ClinVar contains an entry for this variant (Variation ID: 1676948). Studies have shown that this variant alters ANK1 gene expression (PMID: 38655052). Studies have shown that this variant alters mRNA splicing and is expected to lead to the loss of protein expression (PMID: 36928866, 38655052). For these reasons, this variant has been classified as Pathogenic.

3billion
Classification: Pathogenic for Hereditary spherocytosis type 1. Last evaluated: 2025-03-13. Review status: criteria provided, single submitter. Criteria: ACMG Guidelines, 2015. Collection method: clinical testing. Allele origin: germline. Affected: yes.
Comment: The variant is observed at an extremely low frequency in the gnomAD v4.1.0 dataset (total allele frequency: <0.001%). Predicted Consequence/Location: Intron variant. In silico tools predict the variant to alter splicing and produce an abnormal transcript [SpliceAI: 1.00 (>=0.2, moderate evidence for spliceogenicity)]. The variant has been previously reported as de novo in a similarly affected individual (PMID: 32436265). The variant has been reported at least twice as pathogenic with clinical assertions and evidence for the classification (ClinVar ID: VCV001676948 / PMID: 32436265 / 3billion dataset). Therefore, this variant is classified as Pathogenic according to the recommendation of ACMG/AMP guideline.

ARUP Laboratories, Molecular Genetics and Genomics, ARUP Laboratories
Classification: Likely pathogenic for Hereditary spherocytosis type 1. Last evaluated: 2025-01-24. Review status: criteria provided, single submitter. Criteria: ARUP Molecular Germline Variant Investigation Process 2024. Collection method: clinical testing. Allele origin: germline.
Comment: The ANK1 c.1405-9G>A variant, also described as c.1504-9G>A, (ClinVar Variation ID: 1676948) is reported in the literature in several individuals affected with hereditary spherocytosis (Lunati-Rozie 2023, Tole 2020, Wang 2023, Wu 2021, Xiong 2024). This variant is absent from the Genome Aggregation Database, indicating it is not a common polymorphism (v2.1.1). This is an intronic variant, but computational analyses (Alamut v1.11) predict that this variant abrogates the nearby canonical splice acceptor site and introduces a novel cryptic acceptor splice site. Functional analyses with this intronic variant produced altered ANK1 transcript which resulted in a truncated ANK1 protein (Lunati-Rozie 2023, Xiong 2024). Based on available information, this variant is considered to be likely pathogenic. References: Lunati-Rozie A et al. Use of minigene assays as a useful tool to confirm the pathogenic role of intronic variations of the ANK1 gene: Report of two cases of hereditary spherocytosis. Br J Haematol. 2023 May. PMID: 36928866. Tole S et al. Genotype-phenotype correlation in children with hereditary spherocytosis. Br J Haematol. 2020 Nov. PMID: 32436265. Wang Y et al. A de novo ANK1 mutation in a childhood hereditary spherocytosis: a case report. BMC pediatrics. 2023 May 29. PMID: 37246216. Wu C et al. Preliminary Study on the Clinical and Genetic Characteristics of Hereditary Spherocytosis in 15 Chinese Children. Front Genet. 2021 PMID: 33868383. Xiong T et al. Identification of a novel ANK1 gene variant c.1504-9G>A and its mechanism of intron retention in hereditary spherocytosis. Front Genet. 2024 PMID: 38655052.

Revvity Omics, Revvity
Classification: Pathogenic for Hereditary spherocytosis type 1. Last evaluated: 2024-03-19. Review status: criteria provided, single submitter. Criteria: ACMG Guidelines, 2015. Collection method: clinical testing. Allele origin: germline.

Blueprint Genetics
Classification: Pathogenic for ANK1-related disorders. Last evaluated: 2023-03-21. Review status: criteria provided, single submitter. Criteria: ACMG Guidelines, 2015. Collection method: clinical testing. Allele origin: germline. Affected: yes. Observed: 1 variant allele.

Jiangsu Institute of Hematology, the First Affiliated Hospital of Soochow University
Classification: Likely pathogenic for Hereditary spherocytosis type 1. Last evaluated: 2022-03-01. Review status: criteria provided, single submitter. Criteria: ACMG Guidelines, 2015. Collection method: research. Allele origin: de novo. Affected: yes.

Neuberg Centre For Genomic Medicine, NCGM
Classification: Likely pathogenic for Hereditary spherocytosis type 1. Review status: criteria provided, single submitter. Criteria: ACMG Guidelines, 2015. Collection method: clinical testing. Allele origin: germline. Inheritance: Autosomal dominant inheritance. Affected: yes.
Comment: The observed splice site variant c.1405-9G>A in ANK1 gene has been reported in heterozygous and compound heterozygous state in multiple patients affected with Spherocytosis (Tole S et al. 2020; Pugi, Jakob, et al. 2016). The c.1405-9G>A variant is absent in gnomAD Exomes. This variant has been submitted to the ClinVar database as Likely Pathogenic (multiple submiters). SpliceAI predicts this variant to cause splice acceptor gain (score - 1) for this variant. For these reasons, this variant has been classified as Likely Pathogenic.

PreventionGenetics, part of Exact Sciences
Classification: Likely pathogenic for ANK1-related condition. Last evaluated: 2023-11-22. Review status: no assertion criteria provided. Collection method: clinical testing. Allele origin: germline. Not counted in ClinVar's aggregate classification.
Comment: The ANK1 c.1405-9G>A variant is predicted to interfere with splicing. This variant was reported in the heterozygous state in multiple individuals with spherocytosis, including at least two de novo cases (Tole et al. 2020. PubMed ID: 32436265; described as c.1504-9G>A, Wu et al. 2021. PubMed ID: 33868383; Wang et al. 2023. PubMed ID: 37246216). Functional studies using a minigene assay showed that this variant results in aberrant splicing leading to a frameshift and premature protein termination (Lunati-Rozie et al. 2023. PubMed ID: 36928866). This variant has not been reported in a large population database, indicating this variant is rare. This variant is interpreted as likely pathogenic.

Literature cited by the submitters: PubMed 33868383 (cited by Labcorp Genetics (formerly Invitae), Labcorp); PubMed 37246216 (cited by Labcorp Genetics (formerly Invitae), Labcorp); PubMed 38655052 (cited by Labcorp Genetics (formerly Invitae), Labcorp); PubMed 36928866 (cited by Labcorp Genetics (formerly Invitae), Labcorp); PubMed 32436265 (cited by 3billion).